The following is an entry in ClinVar:

NC_000019.10:g.45607375A>C

Gene: EML2 (EMAP like 2; minus strand). Cytogenetic location: 19q13.32.
Variant type: single nucleotide variant.
Genome position: GRCh38 VCF-style: chr19-45607375-A-C. GRCh37 (hg19) VCF-style: chr19-46110633-A-C.
Identifiers: ClinVar variation 2650118 (VCV002650118.24), dbSNP rs141570927, ClinGen allele CA9517722.

ClinVar aggregate classification (germline): Likely benign (1 of 4 stars; one submission).

Allele frequency attached by ClinVar (database versions not stated): TOPMed 0.00124; gnomAD 0.00139; 1000 Genomes Project 0.00160; gnomAD exomes 0.00167; 1000 Genomes Project 30x 0.00203.

Submission:

CeGaT Center for Human Genetics Tuebingen
Classification: Likely benign. Last evaluated: 2022-06-01. Review status: criteria provided, single submitter. Criteria: CeGaT Center For Human Genetics Tuebingen Variant Classification Criteria Version 2. Collection method: clinical testing. Allele origin: germline. Affected: yes. Observed: 1 variant allele.
Comment: EML2: BP4, BP7